The following is an entry in ClinVar:

ClinVar aggregate classification (germline): Uncertain significance. Review status: criteria provided, multiple submitters, no conflicts (2 of 4 stars). 2 submissions from 2 submitters: Uncertain significance (2). Last evaluated 2025-06-25.

Conditions:
MHC class I deficiency. Identifiers: Orphanet 34592, MedGen C6024714, MONDO:0011476.

Allele frequency attached by ClinVar (database versions not stated): TOPMed 0.00001; 1000 Genomes Project 30x 0.00016; 1000 Genomes Project 0.00020.
gnomAD v4.1: 10 of 1,607,054 alleles (0.00062%); highest among the groups gnomAD compares: South Asian, 0.0044%; no homozygotes.

Submissions (2):

Labcorp Genetics (formerly Invitae), Labcorp
Classification: Uncertain significance for MHC class I deficiency 1. Last evaluated: 2025-06-25. Review status: criteria provided, single submitter. Criteria: Invitae Variant Classification Sherloc (09022015). Collection method: clinical testing. Allele origin: germline.
Comment: This sequence change replaces arginine, which is basic and polar, with cysteine, which is neutral and slightly polar, at codon 394 of the TAPBP protein (p.Arg394Cys). This variant is present in population databases (rs545499119, gnomAD 0.005%). This variant has not been reported in the literature in individuals affected with TAPBP-related conditions. ClinVar contains an entry for this variant (Variation ID: 578410). An algorithm developed to predict the effect of missense changes on protein structure and function (PolyPhen-2) suggests that this variant is likely to be disruptive. In summary, the available evidence is currently insufficient to determine the role of this variant in disease. Therefore, it has been classified as a Variant of Uncertain Significance.

Blueprint Genetics
Classification: Uncertain significance. Last evaluated: 2022-05-09. Review status: criteria provided, single submitter. Criteria: ACMG Guidelines, 2015. Collection method: clinical testing. Allele origin: germline.

NM_003190.5(TAPBP):c.1180C>T (p.Arg394Cys)

Gene: TAPBP (TAP binding protein; minus strand). Cytogenetic location: 6p21.32.
Variant type: single nucleotide variant.
Coding change: c.1180C>T on transcript NM_003190.5 (MANE Select); coding-DNA position 1180, C replaced by T.
Protein change: p.Arg394Cys; replaces arginine 394 with cysteine.
Molecular consequence: missense variant.
Genome position (GRCh38, 1-based): chr6:33,304,327, G>A on the plus strand (C>T on the coding strand, the complement: TAPBP is on the minus strand). VCF-style: chr6-33304327-G-A. GRCh37 (hg19) VCF-style: chr6-33272104-G-A.
Other names: c.1180C>T, p.Arg394Cys (NM_172208.3); c.919C>T, p.Arg307Cys (NM_172209.3); short protein forms R394C, R307C.
Identifiers: ClinVar variation 578410 (VCV000578410.12), dbSNP rs545499119, ClinGen allele CA137088997.